The following is an entry in ClinVar:

NM_020937.4(FANCM):c.2177C>T (p.Thr726Ile)

Gene: FANCM (FA complementation group M; plus strand). Cytogenetic location: 14q21.2.
Variant type: single nucleotide variant.
Coding change: c.2177C>T on transcript NM_020937.4 (MANE Select); coding-DNA position 2177, C replaced by T.
Protein change: p.Thr726Ile; replaces threonine 726 with isoleucine.
Molecular consequence: missense variant.
Genome position (GRCh38, 1-based): chr14:45,173,071, C>T. VCF-style: chr14-45173071-C-T. GRCh37 (hg19) VCF-style: chr14-45642274-C-T.
Other names: c.2099C>T, p.Thr700Ile (NM_001308133.2); c.2177C>T (NM_020937.2); short protein forms T700I, T726I.
Identifiers: ClinVar variation 1047258 (VCV001047258.9), dbSNP rs1171394901, ClinGen allele CA389596615.

ClinVar aggregate classification (germline): Conflicting classifications of pathogenicity. Review status: criteria provided, conflicting classifications (1 of 4 stars). 2 submissions from 2 submitters: Uncertain significance (1); Likely benign (1). Last evaluated 2025-08-07.

Conditions:
Fanconi anemia (FA). Also called: Fanconi's anemia. Identifiers: Orphanet 84, MedGen C0015625, MeSH D005199, MONDO:0019391.
Inborn genetic diseases. Identifiers: MedGen C0950123, MeSH D030342.

Allele frequency attached by ClinVar (database versions not stated): gnomAD exomes 0.00001.
gnomAD v4.1: 12 of 1,609,176 alleles (0.00075%); highest among the groups gnomAD compares: Non-Finnish European, 0.001%; no homozygotes.

Submissions (2):

Ambry Genetics
Classification: Likely benign for Inborn genetic diseases. Last evaluated: 2025-08-07. Review status: criteria provided, single submitter. Criteria: Ambry Variant Classification Scheme 2023. Collection method: clinical testing. Allele origin: germline.

Labcorp Genetics (formerly Invitae), Labcorp
Classification: Uncertain significance for Fanconi anemia. Last evaluated: 2024-06-03. Review status: criteria provided, single submitter. Criteria: Invitae Variant Classification Sherloc (09022015). Collection method: clinical testing. Allele origin: germline.
Comment: This sequence change replaces threonine, which is neutral and polar, with isoleucine, which is neutral and non-polar, at codon 726 of the FANCM protein (p.Thr726Ile). This variant is present in population databases (no rsID available, gnomAD 0.0009%). This variant has not been reported in the literature in individuals affected with FANCM-related conditions. ClinVar contains an entry for this variant (Variation ID: 1047258). Algorithms developed to predict the effect of missense changes on protein structure and function output the following: SIFT: "Not Available"; PolyPhen-2: "Benign"; Align-GVGD: "Not Available". The isoleucine amino acid residue is found in multiple mammalian species, which suggests that this missense change does not adversely affect protein function. In summary, the available evidence is currently insufficient to determine the role of this variant in disease. Therefore, it has been classified as a Variant of Uncertain Significance.